The following is an entry in ClinVar:

NM_004839.4(HOMER2):c.488C>T (p.Thr163Met)

Gene: HOMER2 (homer scaffold protein 2; minus strand). Cytogenetic location: 15q25.2.
Variant type: single nucleotide variant.
Coding change: c.488C>T on transcript NM_004839.4 (MANE Select); coding-DNA position 488, C replaced by T.
Protein change: p.Thr163Met; replaces threonine 163 with methionine.
Molecular consequence: missense variant.
Genome position (GRCh38, 1-based): chr15:82,859,035, G>A on the plus strand (C>T on the coding strand, the complement: HOMER2 is on the minus strand). VCF-style: chr15-82859035-G-A. GRCh37 (hg19) VCF-style: chr15-83527787-G-A.
Other names: c.521C>T, p.Thr174Met (NM_199330.3); short protein forms T174M, T163M.
Identifiers: ClinVar variation 2520139 (VCV002520139.4), dbSNP rs761349827, ClinGen allele CA7702136.
Genomic context (GRCh38, chr15:82,859,035, plus strand): 5'-TAGGGAAGTGCTGAAGGTGGAGAAAATAGAATCTGGACTTTAAAACAGCCTTACCTCTGC[G>A]TCAAGGCAATCTTCAGCTTGTCATTCTCAGACTTCAGGTGTGTGTTGGCTGGACCGGCGT-3'
Protein context (NP_004830.2, residues 153-173): SENDKLKIAL[Thr163Met]QSAANVKKWE

ClinVar aggregate classification (germline): Uncertain significance. Review status: criteria provided, multiple submitters, no conflicts (2 of 4 stars). 2 submissions from 2 submitters: Uncertain significance (2). Last evaluated 2024-07-31.

Conditions:
Inborn genetic diseases. Identifiers: MedGen C0950123, MeSH D030342.

Allele frequency attached by ClinVar (database versions not stated): gnomAD exomes 0.00002; ExAC 0.00004.
gnomAD v4.1: 32 of 1,613,790 alleles (0.002%); highest among the groups gnomAD compares: Middle Eastern, 0.017%; no homozygotes.

Submissions (2):

Labcorp Genetics (formerly Invitae), Labcorp
Classification: Uncertain significance. Last evaluated: 2024-07-31. Review status: criteria provided, single submitter. Criteria: Invitae Variant Classification Sherloc (09022015). Collection method: clinical testing. Allele origin: germline.
Comment: This sequence change replaces threonine, which is neutral and polar, with methionine, which is neutral and non-polar, at codon 163 of the HOMER2 protein (p.Thr163Met). This variant is present in population databases (rs761349827, gnomAD 0.02%). This variant has not been reported in the literature in individuals affected with HOMER2-related conditions. ClinVar contains an entry for this variant (Variation ID: 2520139). An algorithm developed to predict the effect of missense changes on protein structure and function (PolyPhen-2) suggests that this variant is likely to be disruptive. In summary, the available evidence is currently insufficient to determine the role of this variant in disease. Therefore, it has been classified as a Variant of Uncertain Significance.

Ambry Genetics
Classification: Uncertain significance for Inborn genetic diseases. Last evaluated: 2023-04-20. Review status: criteria provided, single submitter. Criteria: Ambry Variant Classification Scheme 2023. Collection method: clinical testing. Allele origin: germline.